The following is an entry in ClinVar:

NM_000529.2(MC2R):c.*2394C>G

Gene: MC2R (melanocortin 2 receptor; minus strand). Cytogenetic location: 18p11.21.
Variant type: single nucleotide variant.
Coding change: c.*2394C>G on transcript NM_000529.2 (MANE Select); 2394 bases downstream of the stop codon, C replaced by G.
Molecular consequence: 3 prime UTR variant.
Genome position (GRCh38, 1-based): chr18:13,882,231, G>C on the plus strand (C>G on the coding strand, the complement: MC2R is on the minus strand). VCF-style: chr18-13882231-G-C. GRCh37 (hg19) VCF-style: chr18-13882230-G-C.
Other names: c.*2394C>G (NM_001291911.1).
Identifiers: ClinVar variation 326126 (VCV000326126.6), dbSNP rs1940907, ClinGen allele CA10650545.

ClinVar aggregate classification (germline): Benign. Review status: criteria provided, multiple submitters, no conflicts (2 of 4 stars). 2 submissions from 2 submitters: Benign (2). Last evaluated 2018-01-12.

Conditions:
Glucocorticoid deficiency 1 (GCCD1). Also called: FAMILIAL GLUCOCORTICOID DEFICIENCY 1; Adrenal unresponsiveness to acth; Glucocorticoid deficiency, due to ACTH unresponsiveness. Identifiers: Orphanet 361, MedGen C4049650, MONDO:0024536, OMIM 202200.

Allele frequency attached by ClinVar (database versions not stated): 1000 Genomes Project 0.50120; 1000 Genomes Project 30x 0.50484; gnomAD 0.54700 and 0.55774; TOPMed 0.55369.

Submissions (2):

Illumina Laboratory Services, Illumina
Classification: Benign for Glucocorticoid deficiency 1. Last evaluated: 2018-01-12. Review status: criteria provided, single submitter. Criteria: ICSL Variant Classification Criteria 13 December 2019. Collection method: clinical testing. Allele origin: germline.
Comment: This variant was observed in the ICSL laboratory as part of a predisposition screen in an ostensibly healthy population. It had not been previously curated by ICSL or reported in the Human Gene Mutation Database (HGMD: prior to June 1st, 2018), and was therefore a candidate for classification through an automated scoring system. Utilizing variant allele frequency, disease prevalence and penetrance estimates, and inheritance mode, an automated score was calculated to assess if this variant is too frequent to cause the disease. Based on the score and internal cut-off values, a variant classified as benign is not then subjected to further curation. The score for this variant resulted in a classification of benign for this disease.

Breakthrough Genomics
Classification: Benign. Review status: criteria provided, single submitter. Criteria: ACMG Guidelines, 2015. Collection method: not provided. Allele origin: germline. Inheritance: Autosomal recessive inheritance. Affected: yes.